The following is an entry in ClinVar:

ClinVar aggregate classification (germline): Uncertain significance (1 of 4 stars; one submission).

Submission:

GeneDx
Classification: Uncertain significance. Last evaluated: 2019-06-03. Review status: criteria provided, single submitter. Criteria: GeneDx Variant Classification Process June 2021. Collection method: clinical testing. Allele origin: germline. Affected: yes.
Comment: Not observed in large population cohorts (Lek et al., 2016); In silico analysis, which includes protein predictors and evolutionary conservation, supports that this variant does not alter protein structure/function; Has not been previously published as pathogenic or benign to our knowledge

NM_002547.3(OPHN1):c.779G>T (p.Cys260Phe)

Gene: OPHN1 (oligophrenin 1; minus strand). Cytogenetic location: Xq12.
Variant type: single nucleotide variant.
Coding change: c.779G>T on transcript NM_002547.3 (MANE Select); coding-DNA position 779, G replaced by T.
Protein change: p.Cys260Phe; replaces cysteine 260 with phenylalanine.
Molecular consequence: missense variant.
Genome position (GRCh38, 1-based): chrX:68,210,206, C>A on the plus strand (G>T on the coding strand, the complement: OPHN1 is on the minus strand). VCF-style: chrX-68210206-C-A. GRCh37 (hg19) VCF-style: chrX-67430048-C-A.
Other names: short protein forms C260F.
Identifiers: ClinVar variation 1306054 (VCV001306054.2), dbSNP rs2147479419, ClinGen allele CA413433868.